The following is an entry in ClinVar:

ClinVar aggregate classification (germline): Benign/Likely benign. Review status: criteria provided, multiple submitters, no conflicts (2 of 4 stars). 8 submissions from 7 submitters: Benign (6); Likely benign (2). Last evaluated 2026-01-31.

Conditions:
Aortic valve disease 1 (AOVD1). Identifiers: MedGen C3887892, MONDO:0024523, OMIM 109730.
Adams-Oliver syndrome 5 (AOS5). Identifiers: Orphanet 974, MedGen C4014970, MONDO:0014459, OMIM 616028.
Familial thoracic aortic aneurysm and aortic dissection (TAAD). Also called: Thoracic aortic aneurysms and dissections. Identifiers: Orphanet 91387, MedGen C4707243, MONDO:0019625.

Allele frequency attached by ClinVar (database versions not stated): gnomAD exomes 0.00080 and 0.00027; ExAC 0.00085; 1000 Genomes Project 30x 0.00187; 1000 Genomes Project 0.00220; gnomAD 0.00286 and 0.00307; TOPMed 0.00314; ESP Exome Variant Server 0.00330.
gnomAD v4.1: 847 of 1,613,164 alleles (0.053%); highest among the groups gnomAD compares: African/African-American, 0.94%; 2 homozygotes.

Submissions (8):

Labcorp Genetics (formerly Invitae), Labcorp
Classification: Benign for Adams-Oliver syndrome 5. Last evaluated: 2026-01-31. Review status: criteria provided, single submitter. Criteria: Invitae Variant Classification Sherloc (09022015). Collection method: clinical testing. Allele origin: germline.

Blueprint Genetics
Classification: Likely benign. Last evaluated: 2024-09-09. Review status: criteria provided, single submitter. Criteria: ACMG Guidelines, 2015. Collection method: clinical testing. Allele origin: germline.

Women's Health and Genetics/Laboratory Corporation of America, LabCorp
Classification: Benign. Last evaluated: 2023-07-21. Review status: criteria provided, single submitter. Criteria: LabCorp Variant Classification Summary - May 2015. Collection method: clinical testing. Allele origin: germline.

Genome-Nilou Lab
Classification: Benign for Adams-Oliver syndrome 5. Last evaluated: 2022-03-15. Review status: criteria provided, single submitter. Criteria: ACMG Guidelines, 2015. Collection method: clinical testing. Allele origin: germline. Affected: no.

Genome-Nilou Lab
Classification: Benign for Aortic valve disease 1. Last evaluated: 2022-03-15. Review status: criteria provided, single submitter. Criteria: ACMG Guidelines, 2015. Collection method: clinical testing. Allele origin: germline. Affected: no.

Mayo Clinic Laboratories, Mayo Clinic
Classification: Benign. Last evaluated: 2019-11-12. Review status: criteria provided, single submitter. Criteria: ACMG Guidelines, 2015. Collection method: clinical testing. Allele origin: germline. Observed: 2 variant alleles.

GeneDx
Classification: Benign. Last evaluated: 2017-01-18. Review status: criteria provided, single submitter. Criteria: GeneDx Variant Classification (06012015). Collection method: clinical testing. Allele origin: germline. Affected: yes.
Comment: This variant is considered likely benign or benign based on one or more of the following criteria: it is a conservative change, it occurs at a poorly conserved position in the protein, it is predicted to be benign by multiple in silico algorithms, and/or has population frequency not consistent with disease.

Ambry Genetics
Classification: Likely benign for Familial thoracic aortic aneurysm and aortic dissection. Last evaluated: 2016-03-17. Review status: criteria provided, single submitter. Criteria: Ambry Variant Classification Scheme 2023. Collection method: clinical testing. Allele origin: germline.

Literature cited by the submitters: PubMed 24943832 (cited by Women's Health and Genetics/Laboratory Corporation of America, LabCorp); PubMed 16614245 (cited by Women's Health and Genetics/Laboratory Corporation of America, LabCorp); PubMed 21670202 (cited by Women's Health and Genetics/Laboratory Corporation of America, LabCorp); PubMed 22210878 (cited by Women's Health and Genetics/Laboratory Corporation of America, LabCorp); PubMed 19635999 (cited by Women's Health and Genetics/Laboratory Corporation of America, LabCorp); PubMed 26837699 (cited by Women's Health and Genetics/Laboratory Corporation of America, LabCorp); PubMed 23086750 (cited by Women's Health and Genetics/Laboratory Corporation of America, LabCorp); PubMed 19245433 (cited by Women's Health and Genetics/Laboratory Corporation of America, LabCorp); PubMed 22077063 (cited by Women's Health and Genetics/Laboratory Corporation of America, LabCorp); PubMed 15472075 (cited by Women's Health and Genetics/Laboratory Corporation of America, LabCorp); PubMed 23734977 (cited by Women's Health and Genetics/Laboratory Corporation of America, LabCorp); PubMed 22858860 (cited by Women's Health and Genetics/Laboratory Corporation of America, LabCorp).

NM_017617.5(NOTCH1):c.5445C>T (p.Asp1815=)

Gene: NOTCH1 (notch receptor 1; minus strand). Cytogenetic location: 9q34.3.
Variant type: single nucleotide variant.
Coding change: c.5445C>T on transcript NM_017617.5 (MANE Select); coding-DNA position 5445, C replaced by T.
Protein change: p.Asp1815=; no amino-acid change (aspartic acid 1815 retained).
Molecular consequence: synonymous variant.
Genome position (GRCh38, 1-based): chr9:136,502,028, G>A on the plus strand (C>T on the coding strand, the complement: NOTCH1 is on the minus strand). VCF-style: chr9-136502028-G-A. GRCh37 (hg19) VCF-style: chr9-139396480-G-A.
Other names: p.Asp1815=; c.5445C>T, p.Asp1815= (LRG_1122t1); c.5445C>T (NM_017617.4).
Identifiers: ClinVar variation 477946 (VCV000477946.20), dbSNP rs61751535, ClinGen allele CA5340265.